The following is an entry in ClinVar:

NM_000059.4(BRCA2):c.1547del (p.Phe516fs)

Gene: BRCA2 (BRCA2 DNA repair associated; plus strand). Cytogenetic location: 13q13.1.
Variant type: Deletion.
Coding change: c.1547del on transcript NM_000059.4 (MANE Select); coding-DNA position 1547, one base deleted (T; older notation c.1547delT).
Protein change: p.Phe516fs; shifts the reading frame from phenylalanine 516.
Molecular consequence: frameshift variant.
Genome position (GRCh38, 1-based): chr13:32,333,025, T deleted; the last of 3 consecutive T bases (chr13:32,333,023-32,333,025); deleting any one gives the same sequence. VCF-style (leftmost placement, unchanged base first): chr13-32333022-CT-C. GRCh37 (hg19) VCF-style: chr13-32907159-CT-C.
Other names: 1775delT; p.Phe516SerfsTer9; c.1547delT (NM_000059.3); short protein forms F516fs.
Identifiers: ClinVar variation 51141 (VCV000051141.14), dbSNP rs80359289, ClinGen allele CA012365.
Genomic context (GRCh38, chr13:32,333,022, plus strand): 5'-CTTCTTCATTTCAGGGTATCAAAAAGTCTATATTCAGAATAAGAGAATCACCTAAAGAGA[CT>C]TTCAATGCAAGTTTTTCAGGTCATATGACTGATCCAAACTTTAAAAAAGAAACTGAAGCC-3'

ClinVar aggregate classification (germline): Pathogenic. Review status: reviewed by expert panel (3 of 4 stars). 5 submissions from 5 submitters: Pathogenic (1). 4 of the submissions do not count toward it. Last evaluated 2016-09-08.

Conditions:
Hereditary breast ovarian cancer syndrome. Also called: Hereditary breast and ovarian cancer syndrome; Hereditary breast and ovarian cancer; Hereditary breast and ovarian cancer syndrome (HBOC); Breast and ovarian cancer; Hereditary breast and/or ovarian cancer syndrome; BRCA1- and BRCA2-Associated Hereditary Breast and Ovarian Cancer. Identifiers: Orphanet 145, MedGen C0677776, MeSH D061325, MONDO:0003582. Disease mechanism: loss of function.
Breast-ovarian cancer, familial, susceptibility to, 2 (BROVCA2). Also called: BRCA2 Hereditary Breast and Ovarian Cancer. Identifiers: Orphanet 145, MedGen C2675520, MONDO:0012933, OMIM 612555. Disease mechanism: loss of function.
Hereditary cancer-predisposing syndrome. Also called: Neoplastic Syndromes, Hereditary; Tumor predisposition; Hereditary Cancer Syndrome; Hereditary neoplastic syndrome. Identifiers: Orphanet 140162, MedGen C0027672, MeSH D009386, MONDO:0015356.

Submissions (5):

Evidence-based Network for the Interpretation of Germline Mutant Alleles (ENIGMA)
Classification: Pathogenic for Breast-ovarian cancer, familial, susceptibility to, 2. Last evaluated: 2016-09-08. Review status: reviewed by expert panel. Criteria: ENIGMA BRCA1/2 Classification Criteria (2015). Collection method: curation. Allele origin: germline.
Comment: Variant allele predicted to encode a truncated non-functional protein.

Molecular Genetics and NGS Laboratory, Hospital Fundacion Valle Del Lili
Classification: Pathogenic for Breast-ovarian cancer, familial, susceptibility to, 2. Last evaluated: 2024-08-16. Review status: criteria provided, single submitter. Criteria: ACMG Guidelines, 2015. Collection method: clinical testing. Allele origin: germline. Affected: yes. Observed: 1 variant allele. Not counted in ClinVar's aggregate classification.

Ambry Genetics
Classification: Pathogenic for Hereditary cancer-predisposing syndrome. Last evaluated: 2024-05-28. Review status: criteria provided, single submitter. Criteria: Ambry Variant Classification Scheme 2023. Collection method: clinical testing. Allele origin: germline. Not counted in ClinVar's aggregate classification.
Comment: The c.1547delT pathogenic mutation, located in coding exon 9 of the BRCA2 gene, results from a deletion of one nucleotide at nucleotide position 1547, causing a translational frameshift with a predicted alternate stop codon (p.F516Sfs*9). This variant (designated as 1775delT) was reported in an individual with features consistent with BRCA2-related hereditary breast and ovarian cancer syndrome (Choi DH et al. J Clin Oncol, 2004 May;22:1638-45). This variant is considered to be rare based on population cohorts in the Genome Aggregation Database (gnomAD). In addition to the clinical data presented in the literature, this alteration is expected to result in loss of function by premature protein truncation or nonsense-mediated mRNA decay. As such, this alteration is interpreted as a disease-causing mutation.

Labcorp Genetics (formerly Invitae), Labcorp
Classification: Pathogenic for Hereditary breast ovarian cancer syndrome. Last evaluated: 2024-02-29. Review status: criteria provided, single submitter. Criteria: Invitae Variant Classification Sherloc (09022015). Collection method: clinical testing. Allele origin: germline. Not counted in ClinVar's aggregate classification.
Comment: This sequence change creates a premature translational stop signal (p.Phe516Serfs*9) in the BRCA2 gene. It is expected to result in an absent or disrupted protein product. Loss-of-function variants in BRCA2 are known to be pathogenic (PMID: 20104584). This variant is not present in population databases (gnomAD no frequency). This premature translational stop signal has been observed in individual(s) with breast cancer (PMID: 15117986, 22798144). This variant is also known as 1775delT. ClinVar contains an entry for this variant (Variation ID: 51141). For these reasons, this variant has been classified as Pathogenic.

Breast Cancer Information Core (BIC) (BRCA2)
Classification: Pathogenic for Breast-ovarian cancer, familial 2. Last evaluated: 2002-06-20. Review status: no assertion criteria provided. Collection method: clinical testing. Allele origin: germline. Affected: yes. Observed: 1 variant allele. Not counted in ClinVar's aggregate classification.

Literature cited by the submitters: PubMed 15117986 (cited by Ambry Genetics and Labcorp Genetics (formerly Invitae), Labcorp); PubMed 20104584 (cited by Labcorp Genetics (formerly Invitae), Labcorp); PubMed 22798144 (cited by Labcorp Genetics (formerly Invitae), Labcorp).